The following is an entry in ClinVar:

ClinVar aggregate classification (germline): Likely pathogenic (1 of 4 stars; one submission).

Conditions:
Hypokalemic periodic paralysis, type 1. Also called: Hypokalemic Periodic Paralysis Type 1 (AD); HypoPP. Identifiers: Orphanet 681, MedGen C3714580, MONDO:0042979, OMIM 170400.

Submission:

Laboratory of Medical Genetics, National & Kapodistrian University of Athens
Classification: Likely pathogenic for Hypokalemic periodic paralysis, type 1. Last evaluated: 2022-10-18. Review status: criteria provided, single submitter. Criteria: ACMG Guidelines, 2015. Collection method: clinical testing. Allele origin: de novo. Affected: yes.
Comment: PS2, PM2, PP3

NM_000069.3(CACNA1S):c.1707C>G (p.Phe569Leu)

Gene: CACNA1S (calcium voltage-gated channel subunit alpha1 S; minus strand). Cytogenetic location: 1q32.1.
Variant type: single nucleotide variant.
Coding change: c.1707C>G on transcript NM_000069.3 (MANE Select); coding-DNA position 1707, C replaced by G.
Protein change: p.Phe569Leu; replaces phenylalanine 569 with leucine.
Molecular consequence: missense variant.
Genome position (GRCh38, 1-based): chr1:201,077,040, G>C on the plus strand (C>G on the coding strand, the complement: CACNA1S is on the minus strand). VCF-style: chr1-201077040-G-C. GRCh37 (hg19) VCF-style: chr1-201046168-G-C.
Other names: short protein forms F569L.
Identifiers: ClinVar variation 2572624 (VCV002572624.1), dbSNP rs2464567071, ClinGen allele CA344120095.